The following is an entry in ClinVar:

NM_134444.5(NLRP4):c.326G>A (p.Arg109His)

Gene: NLRP4 (NLR family pyrin domain containing 4; plus strand). Cytogenetic location: 19q13.43.
Variant type: single nucleotide variant.
Coding change: c.326G>A on transcript NM_134444.5 (MANE Select); coding-DNA position 326, G replaced by A.
Protein change: p.Arg109His; replaces arginine 109 with histidine.
Molecular consequence: missense variant.
Genome position (GRCh38, 1-based): chr19:55,857,719, G>A. VCF-style: chr19-55857719-G-A. GRCh37 (hg19) VCF-style: chr19-56369085-G-A.
Other names: c.326G>A (NM_134444.4); short protein forms R109H.
Identifiers: ClinVar variation 2650543 (VCV002650543.25), dbSNP rs145740276, ClinGen allele CA9682327.

ClinVar aggregate classification (germline): Conflicting classifications of pathogenicity. Review status: criteria provided, conflicting classifications (1 of 4 stars). 2 submissions from 2 submitters: Uncertain significance (1); Likely benign (1). Last evaluated 2025-08-30.

Allele frequency attached by ClinVar (database versions not stated): TOPMed 0.00030; 1000 Genomes Project 30x 0.00031; gnomAD 0.00033; 1000 Genomes Project 0.00040; gnomAD exomes 0.00044; ESP Exome Variant Server 0.00062; ExAC 0.00069.
gnomAD v4.1: 713 of 1,613,496 alleles (0.044%); highest among the groups gnomAD compares: South Asian, 0.35%; 8 homozygotes.

Submissions (2):

Ambry Genetics
Classification: Uncertain significance. Last evaluated: 2025-08-30. Review status: criteria provided, single submitter. Criteria: Ambry Variant Classification Scheme 2023. Collection method: clinical testing. Allele origin: germline.

CeGaT Center for Human Genetics Tuebingen
Classification: Likely benign. Last evaluated: 2023-03-01. Review status: criteria provided, single submitter. Criteria: CeGaT Center For Human Genetics Tuebingen Variant Classification Criteria Version 2. Collection method: clinical testing. Allele origin: germline. Affected: yes. Observed: 1 variant allele.
Comment: NLRP4: BP4, BS2